The following is an entry in ClinVar:

ClinVar aggregate classification (germline): Uncertain significance (1 of 4 stars; one submission).

Allele frequency attached by ClinVar (database versions not stated): gnomAD exomes below 0.00001; ExAC 0.00001; gnomAD 0.00001.

Submission:

Labcorp Genetics (formerly Invitae), Labcorp
Classification: Uncertain significance. Last evaluated: 2023-09-19. Review status: criteria provided, single submitter. Criteria: Invitae Variant Classification Sherloc (09022015). Collection method: clinical testing. Allele origin: germline.
Comment: In summary, the available evidence is currently insufficient to determine the role of this variant in disease. Therefore, it has been classified as a Variant of Uncertain Significance. Advanced modeling of protein sequence and biophysical properties (such as structural, functional, and spatial information, amino acid conservation, physicochemical variation, residue mobility, and thermodynamic stability) performed at Invitae indicates that this missense variant is not expected to disrupt SCN3A protein function. ClinVar contains an entry for this variant (Variation ID: 2042586). This variant has not been reported in the literature in individuals affected with SCN3A-related conditions. This variant is present in population databases (rs746475565, gnomAD 0.0009%). This sequence change replaces aspartic acid, which is acidic and polar, with asparagine, which is neutral and polar, at codon 1725 of the SCN3A protein (p.Asp1725Asn).

NM_006922.4(SCN3A):c.5173G>A (p.Asp1725Asn)

Gene: SCN3A (sodium voltage-gated channel alpha subunit 3; minus strand). Cytogenetic location: 2q24.3.
Variant type: single nucleotide variant.
Coding change: c.5173G>A on transcript NM_006922.4 (MANE Select); coding-DNA position 5173, G replaced by A.
Protein change: p.Asp1725Asn; replaces aspartic acid 1725 with asparagine.
Molecular consequence: missense variant.
Genome position (GRCh38, 1-based): chr2:165,090,980, C>T on the plus strand (G>A on the coding strand, the complement: SCN3A is on the minus strand). VCF-style: chr2-165090980-C-T. GRCh37 (hg19) VCF-style: chr2-165947490-C-T.
Other names: c.5026G>A, p.Asp1676Asn (NM_001081676.2, NM_001081677.2); short protein forms D1676N, D1725N.
Identifiers: ClinVar variation 2042586 (VCV002042586.4), dbSNP rs746475565, ClinGen allele CA1938431.